The following is an entry in ClinVar:

NM_017838.4(NHP2):c.328T>A (p.Ser110Thr)

Gene: NHP2 (NHP2 ribonucleoprotein; minus strand). Cytogenetic location: 5q35.3.
Variant type: single nucleotide variant.
Coding change: c.328T>A on transcript NM_017838.4 (MANE Select); coding-DNA position 328, T replaced by A.
Protein change: p.Ser110Thr; replaces serine 110 with threonine.
Molecular consequence: missense variant. On other transcripts: intron variant (1).
Genome position (GRCh38, 1-based): chr5:178,150,896, A>T on the plus strand (T>A on the coding strand, the complement: NHP2 is on the minus strand). VCF-style: chr5-178150896-A-T. GRCh37 (hg19) VCF-style: chr5-177577897-A-T.
Other names: c.231-1058T>A (NM_001034833.2); short protein forms S110T.
Identifiers: ClinVar variation 1063361 (VCV001063361.19), dbSNP rs780696831, ClinGen allele CA3589178.

ClinVar aggregate classification (germline): Uncertain significance. Review status: criteria provided, multiple submitters, no conflicts (2 of 4 stars). 2 submissions from 2 submitters: Uncertain significance (2). Last evaluated 2025-05-12.

Conditions:
Dyskeratosis congenita. Identifiers: Orphanet 1775, MedGen C0265965, MONDO:0015780.

Allele frequency attached by ClinVar (database versions not stated): gnomAD 0.00001; ExAC 0.00005; TOPMed 0.00005; gnomAD exomes 0.00006.
gnomAD v4.1: 55 of 1,610,800 alleles (0.0034%); highest among the groups gnomAD compares: Middle Eastern, 0.033%; 2 homozygotes.

Submissions (2):

Labcorp Genetics (formerly Invitae), Labcorp
Classification: Uncertain significance for Dyskeratosis congenita. Last evaluated: 2025-05-12. Review status: criteria provided, single submitter. Criteria: Invitae Variant Classification Sherloc (09022015). Collection method: clinical testing. Allele origin: germline.
Comment: This sequence change replaces serine, which is neutral and polar, with threonine, which is neutral and polar, at codon 110 of the NHP2 protein (p.Ser110Thr). This variant is present in population databases (rs780696831, gnomAD 0.01%). This variant has not been reported in the literature in individuals affected with NHP2-related conditions. ClinVar contains an entry for this variant (Variation ID: 1063361). An algorithm developed to predict the effect of missense changes on protein structure and function (PolyPhen-2) suggests that this variant is likely to be disruptive. In summary, the available evidence is currently insufficient to determine the role of this variant in disease. Therefore, it has been classified as a Variant of Uncertain Significance.

CeGaT Center for Human Genetics Tuebingen
Classification: Uncertain significance. Last evaluated: 2024-10-01. Review status: criteria provided, single submitter. Criteria: CeGaT Center For Human Genetics Tuebingen Variant Classification Criteria Version 2. Collection method: clinical testing. Allele origin: germline. Affected: yes. Observed: 1 variant allele.